The following is an entry in ClinVar:

ClinVar aggregate classification (germline): Uncertain significance. Review status: criteria provided, multiple submitters, no conflicts (2 of 4 stars). 3 submissions from 3 submitters: Uncertain significance (3). Last evaluated 2024-09-26.

Conditions:
Inborn genetic diseases. Identifiers: MedGen C0950123, MeSH D030342.

Allele frequency attached by ClinVar (database versions not stated): TOPMed 0.00001; ExAC below 0.00001; gnomAD 0.00001; gnomAD exomes 0.00001.
gnomAD v4.1: 13 of 1,608,608 alleles (0.00081%); highest among the groups gnomAD compares: African/African-American, 0.0027%; no homozygotes.

Submissions (3):

Ambry Genetics
Classification: Uncertain significance for Inborn genetic diseases. Last evaluated: 2024-09-26. Review status: criteria provided, single submitter. Criteria: Ambry Variant Classification Scheme 2023. Collection method: clinical testing. Allele origin: germline.

Labcorp Genetics (formerly Invitae), Labcorp
Classification: Uncertain significance. Last evaluated: 2024-06-26. Review status: criteria provided, single submitter. Criteria: Invitae Variant Classification Sherloc (09022015). Collection method: clinical testing. Allele origin: germline.
Comment: This sequence change replaces glutamine, which is neutral and polar, with glutamic acid, which is acidic and polar, at codon 2183 of the SPTBN2 protein (p.Gln2183Glu). This variant is present in population databases (rs760467359, gnomAD 0.002%). This variant has not been reported in the literature in individuals affected with SPTBN2-related conditions. ClinVar contains an entry for this variant (Variation ID: 424271). Advanced modeling of protein sequence and biophysical properties (such as structural, functional, and spatial information, amino acid conservation, physicochemical variation, residue mobility, and thermodynamic stability) performed at Invitae indicates that this missense variant is not expected to disrupt SPTBN2 protein function with a negative predictive value of 95%. In summary, the available evidence is currently insufficient to determine the role of this variant in disease. Therefore, it has been classified as a Variant of Uncertain Significance.

GeneDx
Classification: Uncertain significance. Last evaluated: 2017-03-08. Review status: criteria provided, single submitter. Criteria: GeneDx Variant Classification (06012015). Collection method: clinical testing. Allele origin: germline. Affected: yes.
Comment: The Q2183E variant in the SPTBN2 gene has not been reported previously as a pathogenic variant, nor as a benign variant, to our knowledge. This variant is not observed in large population cohorts (Lek et al., 2016; 1000 Genomes Consortium et al., 2015; Exome Variant Server). The Q2183E variant is a semi-conservative amino acid substitution, which may impact secondary protein structure as these residues differ in some properties. This substitution occurs at a position that is conserved in mammals. In silico analysis predicts this variant likely does not alter the protein structure/function. Based on currently available evidence, we interpret Q2183E as a variant of uncertain significance.

NM_006946.4(SPTBN2):c.6547C>G (p.Gln2183Glu)

Gene: SPTBN2 (spectrin beta, non-erythrocytic 2; minus strand). Cytogenetic location: 11q13.2.
Variant type: single nucleotide variant.
Coding change: c.6547C>G on transcript NM_006946.4 (MANE Select); coding-DNA position 6547, C replaced by G.
Protein change: p.Gln2183Glu; replaces glutamine 2183 with glutamic acid.
Molecular consequence: missense variant.
Genome position (GRCh38, 1-based): chr11:66,687,602, G>C on the plus strand (C>G on the coding strand, the complement: SPTBN2 is on the minus strand). VCF-style: chr11-66687602-G-C. GRCh37 (hg19) VCF-style: chr11-66455073-G-C.
Other names: short protein forms Q2183E.
Identifiers: ClinVar variation 424271 (VCV000424271.7), dbSNP rs760467359, ClinGen allele CA6127861.
Genomic context (GRCh38, chr11:66,687,602, plus strand): 5'-CTGACTCGGTAGACCTGCTCTGGGGCATTGCAGATGGGGCCGGGCCCCGAGTCCGGGTCT[G>C]CCTCTCTCCCCGGGGCCCATTGGCTTCGTCCCCTGAGCCAGGTCCCTGGGGGGGAATCAG-3'
Protein context (NP_008877.2, residues 2173-2193): DEANGPRGER[Gln2183Glu]TRTRGPAPSA